The following is an entry in ClinVar:

ClinVar aggregate classification (germline): Benign/Likely benign. Review status: criteria provided, multiple submitters, no conflicts (2 of 4 stars). 2 submissions from 2 submitters: Benign (1); Likely benign (1). Last evaluated 2025-12-03.

Allele frequency attached by ClinVar (database versions not stated): TOPMed 0.00005; gnomAD 0.00011; gnomAD exomes 0.00020; ExAC 0.00039; 1000 Genomes Project 0.00040; 1000 Genomes Project 30x 0.00078.
gnomAD v4.1: 301 of 1,613,150 alleles (0.019%); highest among the groups gnomAD compares: South Asian, 0.28%; 5 homozygotes.

Submissions (2):

Labcorp Genetics (formerly Invitae), Labcorp
Classification: Benign. Last evaluated: 2025-12-03. Review status: criteria provided, single submitter. Criteria: Invitae Variant Classification Sherloc (09022015). Collection method: clinical testing. Allele origin: germline.

CeGaT Center for Human Genetics Tuebingen
Classification: Likely benign. Last evaluated: 2024-05-01. Review status: criteria provided, single submitter. Criteria: CeGaT Center For Human Genetics Tuebingen Variant Classification Criteria Version 2. Collection method: clinical testing. Allele origin: germline. Affected: yes. Observed: 1 variant allele.
Comment: SLC12A2: BP4, BP7

NM_001046.3(SLC12A2):c.1566A>G (p.Thr522=)

Gene: SLC12A2 (solute carrier family 12 member 2; plus strand). Cytogenetic location: 5q23.3.
Variant type: single nucleotide variant.
Coding change: c.1566A>G on transcript NM_001046.3 (MANE Select); coding-DNA position 1566, A replaced by G.
Protein change: p.Thr522=; no amino-acid change (threonine 522 retained).
Molecular consequence: synonymous variant. On other transcripts: non-coding transcript variant (1).
Genome position (GRCh38, 1-based): chr5:128,138,853, A>G. VCF-style: chr5-128138853-A-G. GRCh37 (hg19) VCF-style: chr5-127474545-A-G.
Other names: c.1566A>G, p.Thr522= (NM_001256461.2).
Identifiers: ClinVar variation 2721483 (VCV002721483.22), dbSNP rs200833127, ClinGen allele CA3393148.